The following is an entry in ClinVar:

NM_000274.4(OAT):c.1251G>A (p.Pro417=)

Gene: OAT (ornithine aminotransferase; minus strand). Cytogenetic location: 10q26.13.
Variant type: single nucleotide variant.
Coding change: c.1251G>A on transcript NM_000274.4 (MANE Select); coding-DNA position 1251, G replaced by A.
Protein change: p.Pro417=; no amino-acid change (proline 417 retained).
Molecular consequence: synonymous variant.
Genome position (GRCh38, 1-based): chr10:124,398,011, C>T on the plus strand (G>A on the coding strand, the complement: OAT is on the minus strand). VCF-style: chr10-124398011-C-T. GRCh37 (hg19) VCF-style: chr10-126086580-C-T.
Other names: c.837G>A, p.Pro279= (NM_001171814.2); c.1251G>A, p.Pro417= (NM_001322965.2, NM_001322966.2, NM_001322967.2 and 3 more transcripts); c.930G>A, p.Pro310= (NM_001322971.2); c.651G>A, p.Pro217= (NM_001322974.2); c.1251G>A (NM_000274.3).
Identifiers: ClinVar variation 1088800 (VCV001088800.11), dbSNP rs570318690, ClinGen allele CA5733283.

ClinVar aggregate classification (germline): Likely benign. Review status: criteria provided, multiple submitters, no conflicts (2 of 4 stars). 3 submissions from 3 submitters: Likely benign (3). Last evaluated 2026-03-11.

Conditions:
Ornithine aminotransferase deficiency (GACR). Also called: Ornithine ketoacid aminotransferase deficiency; Gyrate atrophy; Gyrate atrophy of choroid and retina; Girate atrophy of the retina; HYPERORNITHINEMIA WITH GYRATE ATROPHY OF CHOROID AND RETINA; OKT DEFICIENCY. Identifiers: Orphanet 414, MedGen C0018425, MONDO:0009796, OMIM 258870.
OAT-related disorder. Also called: OAT-related condition.

Allele frequency attached by ClinVar (database versions not stated): gnomAD 0.00003; gnomAD exomes 0.00004; TOPMed 0.00004; ExAC 0.00006.
gnomAD v4.1: 90 of 1,613,874 alleles (0.0056%); highest among the groups gnomAD compares: Non-Finnish European, 0.0073%; no homozygotes.

Submissions (3):

PreventionGenetics, part of Exact Sciences
Classification: Likely benign for OAT-related condition. Last evaluated: 2026-03-11. Review status: criteria provided, single submitter. Criteria: ACMG Guidelines, 2015. Collection method: clinical testing. Allele origin: germline.
Comment: This variant is classified as likely benign based on ACMG/AMP sequence variant interpretation guidelines (Richards et al. 2015 PMID: 25741868, with internal and published modifications).

Labcorp Genetics (formerly Invitae), Labcorp
Classification: Likely benign for Ornithine aminotransferase deficiency. Last evaluated: 2025-02-17. Review status: criteria provided, single submitter. Criteria: Invitae Variant Classification Sherloc (09022015). Collection method: clinical testing. Allele origin: germline.

Blueprint Genetics
Classification: Likely benign. Last evaluated: 2024-10-25. Review status: criteria provided, single submitter. Criteria: ACMG Guidelines, 2015. Collection method: clinical testing. Allele origin: germline.